The following is an entry in ClinVar:

NM_001753.5(CAV1):c.443A>G (p.Tyr148Cys)

Gene: CAV1 (caveolin 1; plus strand). Cytogenetic location: 7q31.2.
Variant type: single nucleotide variant.
Coding change: c.443A>G on transcript NM_001753.5 (MANE Select); coding-DNA position 443, A replaced by G.
Protein change: p.Tyr148Cys; replaces tyrosine 148 with cysteine.
Molecular consequence: missense variant.
Genome position (GRCh38, 1-based): chr7:116,559,193, A>G. VCF-style: chr7-116559193-A-G. GRCh37 (hg19) VCF-style: chr7-116199247-A-G.
Other names: c.350A>G, p.Tyr117Cys (NM_001172895.1, NM_001172896.2, NM_001172897.2); short protein forms Y117C, Y148C.
Identifiers: ClinVar variation 1740605 (VCV001740605.2), dbSNP rs151024969, ClinGen allele CA4447887.

ClinVar aggregate classification (germline): Uncertain significance (1 of 4 stars; one submission).

Conditions:
Inborn genetic diseases. Identifiers: MedGen C0950123, MeSH D030342.

Allele frequency attached by ClinVar (database versions not stated): gnomAD exomes 0.00001; ExAC 0.00002; TOPMed 0.00004; gnomAD 0.00008; ESP Exome Variant Server 0.00023.

Submission:

Ambry Genetics
Classification: Uncertain significance for Inborn genetic diseases. Last evaluated: 2022-04-03. Review status: criteria provided, single submitter. Criteria: Ambry Variant Classification Scheme 2023. Collection method: clinical testing. Allele origin: germline.
Comment: The p.Y148C variant (also known as c.443A>G), located in coding exon 3 of the CAV1 gene, results from an A to G substitution at nucleotide position 443. The tyrosine at codon 148 is replaced by cysteine, an amino acid with highly dissimilar properties. This amino acid position is conserved. In addition, this alteration is predicted to be deleterious by in silico analysis. Since supporting evidence is limited at this time, the clinical significance of this alteration remains unclear.